The following is an entry in ClinVar:

NM_015267.4(CUX2):c.2265G>A (p.Ala755=)

Gene: CUX2 (cut like homeobox 2; plus strand). Cytogenetic location: 12q24.12.
Variant type: single nucleotide variant.
Coding change: c.2265G>A on transcript NM_015267.4 (MANE Select); coding-DNA position 2265, G replaced by A.
Protein change: p.Ala755=; no amino-acid change (alanine 755 retained).
Molecular consequence: synonymous variant.
Genome position (GRCh38, 1-based): chr12:111,320,274, G>A. VCF-style: chr12-111320274-G-A. GRCh37 (hg19) VCF-style: chr12-111758078-G-A.
Other names: c.2079G>A, p.Ala693= (NM_001370598.1).
Identifiers: ClinVar variation 2643300 (VCV002643300.24), dbSNP rs1426000034, ClinGen allele CA481870097.

ClinVar aggregate classification (germline): Likely benign (1 of 4 stars; one submission).

Allele frequency attached by ClinVar (database versions not stated): gnomAD 0.00001; TOPMed 0.00001.
gnomAD v4.1: 3 of 1,594,182 alleles (0.00019%); highest among the groups gnomAD compares: Admixed American, 0.0017%; no homozygotes.

Submission:

CeGaT Center for Human Genetics Tuebingen
Classification: Likely benign. Last evaluated: 2022-08-01. Review status: criteria provided, single submitter. Criteria: CeGaT Center For Human Genetics Tuebingen Variant Classification Criteria Version 2. Collection method: clinical testing. Allele origin: germline. Affected: yes. Observed: 1 variant allele.
Comment: CUX2: BP4, BP7